The following is an entry in ClinVar:

ClinVar aggregate classification (germline): Benign. Review status: criteria provided, multiple submitters, no conflicts (2 of 4 stars). 4 submissions from 4 submitters: Benign (3). 1 of the submissions does not count toward it. Last evaluated 2026-01-26.

Conditions:
Inclusion body myopathy with early-onset Paget disease with or without frontotemporal dementia 2 (IBMPFD2). Also called: MULTISYSTEM PROTEINOPATHY 2. Identifiers: MedGen C3809468, MONDO:0014178, OMIM 615422.
HNRNPA2B1-related disorder. Also called: HNRNPA2B1-related condition.

Allele frequency attached by ClinVar (database versions not stated): gnomAD exomes 0.00165; ExAC 0.00202; gnomAD 0.00581 and 0.00625; TOPMed 0.00641; ESP Exome Variant Server 0.00654; 1000 Genomes Project 0.00879; 1000 Genomes Project 30x 0.00921.
gnomAD v4.1: 1,643 of 1,578,182 alleles (0.1%); highest among the groups gnomAD compares: African/African-American, 1.9%; 16 homozygotes.

Submissions (4):

Labcorp Genetics (formerly Invitae), Labcorp
Classification: Benign for Inclusion body myopathy with early-onset Paget disease with or without frontotemporal dementia 2. Last evaluated: 2026-01-26. Review status: criteria provided, single submitter. Criteria: Invitae Variant Classification Sherloc (09022015). Collection method: clinical testing. Allele origin: germline.

Mayo Clinic Laboratories, Mayo Clinic
Classification: Benign. Last evaluated: 2024-02-29. Review status: criteria provided, single submitter. Criteria: ACMG Guidelines, 2015. Collection method: clinical testing. Allele origin: germline. Observed: 4 variant alleles.

GeneDx
Classification: Benign. Last evaluated: 2019-05-28. Review status: criteria provided, single submitter. Criteria: GeneDx Variant Classification Process June 2021. Collection method: clinical testing. Allele origin: germline. Affected: yes.

PreventionGenetics, part of Exact Sciences
Classification: Benign for HNRNPA2B1-related condition. Last evaluated: 2019-07-19. Review status: no assertion criteria provided. Collection method: clinical testing. Allele origin: germline. Not counted in ClinVar's aggregate classification.
Comment: This variant is classified as benign based on ACMG/AMP sequence variant interpretation guidelines (Richards et al. 2015 PMID: 25741868, with internal and published modifications).

NM_002137.4(HNRNPA2B1):c.841+6A>G

Gene: HNRNPA2B1 (heterogeneous nuclear ribonucleoprotein A2/B1; minus strand). Cytogenetic location: 7p15.2.
Variant type: single nucleotide variant.
Coding change: c.841+6A>G on transcript NM_002137.4 (MANE Select); 6 bases into the intron after coding-DNA position 841, A replaced by G.
Molecular consequence: intron variant.
Genome position (GRCh38, 1-based): chr7:26,193,569, T>C on the plus strand (A>G on the coding strand, the complement: HNRNPA2B1 is on the minus strand). VCF-style: chr7-26193569-T-C. GRCh37 (hg19) VCF-style: chr7-26233189-T-C.
Other names: p.?; c.722-196A>G (NM_001438578.1, NM_001438576.1, NM_001438575.1 and 1 more transcripts); c.841+6A>G (NM_001438571.1, NM_001438572.1, NM_001438063.1); c.758-196A>G (NM_001438574.1, NM_001438573.1); c.877+6A>G (NM_001438568.1, NM_001438570.1, NM_001438569.1 and 2 more transcripts).
Identifiers: ClinVar variation 541429 (VCV000541429.18), dbSNP rs144309126, ClinGen allele CA4194458.